The following is an entry in ClinVar:

NM_001165963.4(SCN1A):c.1360C>A (p.Gln454Lys)

Gene: SCN1A (sodium voltage-gated channel alpha subunit 1; minus strand). Cytogenetic location: 2q24.3.
Variant type: single nucleotide variant.
Coding change: c.1360C>A on transcript NM_001165963.4 (MANE Select); coding-DNA position 1360, C replaced by A.
Protein change: p.Gln454Lys; replaces glutamine 454 with lysine.
Molecular consequence: missense variant. On other transcripts: 5 prime UTR variant (1), non-coding transcript variant (1).
Genome position (GRCh38, 1-based): chr2:166,046,787, G>T on the plus strand (C>A on the coding strand, the complement: SCN1A is on the minus strand). VCF-style: chr2-166046787-G-T. GRCh37 (hg19) VCF-style: chr2-166903297-G-T.
Other names: c.1360C>A, p.Gln454Lys (NM_001165964.3, NM_001202435.3, NM_001353948.2 and 10 more transcripts); c.-1066C>A (NM_001353961.2); short protein forms Q454K.
Identifiers: ClinVar variation 498722 (VCV000498722.15), dbSNP rs1465196014, ClinGen allele CA349070288.

ClinVar aggregate classification (germline): Uncertain significance. Review status: criteria provided, multiple submitters, no conflicts (2 of 4 stars). 3 submissions from 3 submitters: Uncertain significance (3). Last evaluated 2026-06-24.

Conditions:
Early-infantile DEE. Also called: Early infantile epileptic encephalopathy with suppression bursts; Early infantile epileptic encephalopathy; Ohtahara syndrome. Identifiers: Orphanet 1934, MedGen C0393706, MONDO:0800491.

Allele frequency attached by ClinVar (database versions not stated): gnomAD 0.00001; TOPMed 0.00001; gnomAD exomes 0.00001.
gnomAD v4.1: 9 of 1,613,496 alleles (0.00056%); highest among the groups gnomAD compares: African/African-American, 0.0067%; no homozygotes.

Submissions (3):

Women's Health and Genetics/Laboratory Corporation of America, LabCorp
Classification: Uncertain significance. Last evaluated: 2026-06-24. Review status: criteria provided, single submitter. Criteria: LabCorp Variant Classification Summary - May 2015. Collection method: clinical testing. Allele origin: germline.
Comment: Variant summary: SCN1A c.1360C>A (p.Gln454Lys) results in a conservative amino acid change in the encoded protein sequence. Algorithms developed to predict the effect of missense changes on protein structure and function are either unavailable or do not agree on the potential impact of this missense change. The variant allele was found at a frequency of 8e-06 in 250850 control chromosomes. The available data on variant occurrences in the general population are insufficient to allow any conclusion about variant significance. To our knowledge, no occurrence of c.1360C>A in individuals affected with SCN1A-related conditions and no experimental evidence demonstrating its impact on protein function have been reported. ClinVar contains an entry for this variant (Variation ID: 498722). Based on the evidence outlined above, the variant was classified as uncertain significance.

Labcorp Genetics (formerly Invitae), Labcorp
Classification: Uncertain significance for Early-infantile DEE. Last evaluated: 2024-07-30. Review status: criteria provided, single submitter. Criteria: Invitae Variant Classification Sherloc (09022015). Collection method: clinical testing. Allele origin: germline.
Comment: This sequence change replaces glutamine, which is neutral and polar, with lysine, which is basic and polar, at codon 454 of the SCN1A protein (p.Gln454Lys). This variant is present in population databases (no rsID available, gnomAD 0.01%). This variant has not been reported in the literature in individuals affected with SCN1A-related conditions. ClinVar contains an entry for this variant (Variation ID: 498722). Advanced modeling of protein sequence and biophysical properties (such as structural, functional, and spatial information, amino acid conservation, physicochemical variation, residue mobility, and thermodynamic stability) performed at Invitae indicates that this missense variant is not expected to disrupt SCN1A protein function with a negative predictive value of 95%. In summary, the available evidence is currently insufficient to determine the role of this variant in disease. Therefore, it has been classified as a Variant of Uncertain Significance.

Eurofins Ntd Llc (ga)
Classification: Uncertain significance. Last evaluated: 2016-11-30. Review status: criteria provided, single submitter. Criteria: EGL Classification Definitions 2015. Collection method: clinical testing. Allele origin: germline. Observed: 1 variant allele, 1 heterozygote.